The following is an entry in ClinVar:

NM_006516.4(SLC2A1):c.1232A>G (p.Asn411Ser)

Gene: SLC2A1 (solute carrier family 2 member 1; minus strand). Cytogenetic location: 1p34.2.
Variant type: single nucleotide variant.
Coding change: c.1232A>G on transcript NM_006516.4 (MANE Select); coding-DNA position 1232, A replaced by G.
Protein change: p.Asn411Ser; replaces asparagine 411 with serine.
Molecular consequence: missense variant.
Genome position (GRCh38, 1-based): chr1:42,927,651, T>C on the plus strand (A>G on the coding strand, the complement: SLC2A1 is on the minus strand). VCF-style: chr1-42927651-T-C. GRCh37 (hg19) VCF-style: chr1-43393322-T-C.
Other names: short protein forms N411S.
Identifiers: ClinVar variation 96709 (VCV000096709.17), dbSNP rs398123069, ClinGen allele CA019025.
Genomic context (GRCh38, chr1:42,927,651, plus strand): 5'-GTGGGGGTTCTCACCTCCACATACTGGAAGCACATGCCCACAATGAAATTTGAGGTCCAG[T>C]TGGAGAAGCCTGCAACGGCAATGGCAGCTGGACGTGGACCCTGGCTGAAGAGTTCAGCCA-3'
Protein context (NP_006507.2, residues 401-421): PAAIAVAGFS[Asn411Ser]WTSNFIVGMC

ClinVar aggregate classification (germline): Conflicting classifications of pathogenicity. Review status: criteria provided, conflicting classifications (1 of 4 stars). 4 submissions from 4 submitters: Pathogenic (1); Likely pathogenic (1); Uncertain significance (1). 1 of the submissions does not count toward it. Last evaluated 2025-06-11.

Conditions:
Epilepsy, idiopathic generalized, susceptibility to, 12 (EIG12). Identifiers: MedGen C3553859, MONDO:0013919, OMIM 614847.
Encephalopathy due to GLUT1 deficiency. Also called: GLUCOSE TRANSPORT DEFECT, BLOOD-BRAIN BARRIER; Glucose transporter protein syndrome; GLUT1 deficiency syndrome 1, infantile onset, severe; GLUT1 deficiency syndrome 1; Classic Glucose Transporter Type 1 Deficiency Syndrome; De Vivo disease. Identifiers: Orphanet 71277, MedGen C4551966, MONDO:0011724, OMIM 606777.
GLUT1 deficiency syndrome 1, autosomal recessive. Identifiers: MedGen C3149117.

Submissions (4):

Institute of Human Genetics, University of Leipzig Medical Center
Classification: Likely pathogenic for Encephalopathy due to GLUT1 deficiency. Last evaluated: 2025-06-11. Review status: criteria provided, single submitter. Criteria: ACMG Guidelines, 2015. Collection method: clinical testing. Allele origin: unknown. Affected: yes.
Comment: Criteria applied: PS3_SUP,PS4_MOD,PM2,PP2,PP3

GeneDx
Classification: Pathogenic. Last evaluated: 2022-02-24. Review status: criteria provided, single submitter. Criteria: GeneDx Variant Classification Process June 2021. Collection method: clinical testing. Allele origin: germline. Affected: yes.
Comment: Published functional studies with Xenopus oocytes demonstrate mild reduction in glucose transport (Arsov et al., 2012; Zaman et al., 2018); In silico analysis supports that this missense variant has a deleterious effect on protein structure/function; Not observed at significant frequency in large population cohorts (gnomAD); This variant is associated with the following publications: (PMID: 28717674, 30588498, 23280796, Guzmn-Jimnez2019[Review], 33806661)

Labcorp Genetics (formerly Invitae), Labcorp
Classification: Uncertain significance for GLUT1 deficiency syndrome 1, autosomal recessive. Last evaluated: 2021-05-26. Review status: criteria provided, single submitter. Criteria: Invitae Variant Classification Sherloc (09022015). Collection method: clinical testing. Allele origin: germline.
Comment: This sequence change replaces asparagine with serine at codon 411 of the SLC2A1 protein (p.Asn411Ser). The asparagine residue is highly conserved and there is a small physicochemical difference between asparagine and serine. This variant is not present in population databases (ExAC no frequency). This variant has been observed in two siblings affected with epilepsy (PMID: 23280796, 28717674). ClinVar contains an entry for this variant (Variation ID: 96709). Advanced modeling of protein sequence and biophysical properties (such as structural, functional, and spatial information, amino acid conservation, physicochemical variation, residue mobility, and thermodynamic stability) performed at Invitae indicates that this missense variant is expected to disrupt SLC2A1 protein function. Algorithms developed to predict the effect of sequence changes on RNA splicing suggest that this variant may create or strengthen a splice site, but this prediction has not been confirmed by published transcriptional studies. In summary, the available evidence is currently insufficient to determine the role of this variant in disease. Therefore, it has been classified as a Variant of Uncertain Significance. Experimental studies have shown that this variant affects SLC2A1 protein function (PMID: 23280796).

OMIM
Classification: risk factor for EPILEPSY, IDIOPATHIC GENERALIZED, SUSCEPTIBILITY TO, 12. Last evaluated: 2012-11-01. Review status: no assertion criteria provided. Collection method: literature only. Allele origin: germline. Not counted in ClinVar's aggregate classification.

Literature cited by the submitters: PubMed 23280796 (cited by Labcorp Genetics (formerly Invitae), Labcorp and OMIM); PubMed 28717674 (cited by Labcorp Genetics (formerly Invitae), Labcorp).